The following is an entry in ClinVar:

ClinVar aggregate classification (germline): Conflicting classifications of pathogenicity. Review status: criteria provided, conflicting classifications (1 of 4 stars). 3 submissions from 3 submitters: Likely pathogenic (1); Uncertain significance (2). Last evaluated 2024-10-07.

Conditions:
Hereditary cancer-predisposing syndrome. Also called: Hereditary neoplastic syndrome; Neoplastic Syndromes, Hereditary; Tumor predisposition; Hereditary Cancer Syndrome. Identifiers: Orphanet 140162, MedGen C0027672, MeSH D009386, MONDO:0015356.
Hereditary diffuse gastric adenocarcinoma (HDGC). Also called: DIFFUSE GASTRIC AND LOBULAR BREAST CANCER SYNDROME. Identifiers: Orphanet 26106, MedGen C1708349, MONDO:0007648, OMIM 137215.

Submissions (3):

Labcorp Genetics (formerly Invitae), Labcorp
Classification: Uncertain significance for Hereditary diffuse gastric adenocarcinoma. Last evaluated: 2024-10-07. Review status: criteria provided, single submitter. Criteria: Invitae Variant Classification Sherloc (09022015). Collection method: clinical testing. Allele origin: germline.
Comment: This sequence change replaces glutamic acid, which is acidic and polar, with glycine, which is neutral and non-polar, at codon 758 of the CDH1 protein (p.Glu758Gly). This variant is not present in population databases (gnomAD no frequency). This variant has not been reported in the literature in individuals affected with CDH1-related conditions. ClinVar contains an entry for this variant (Variation ID: 1205648). An algorithm developed to predict the effect of missense changes on protein structure and function (PolyPhen-2) suggests that this variant is likely to be disruptive. In summary, the available evidence is currently insufficient to determine the role of this variant in disease. Therefore, it has been classified as a Variant of Uncertain Significance.

Ambry Genetics
Classification: Likely pathogenic for Hereditary cancer-predisposing syndrome. Last evaluated: 2024-02-10. Review status: criteria provided, single submitter. Criteria: Ambry Variant Classification Scheme 2023. Collection method: clinical testing. Allele origin: germline.
Comment: The p.E758G variant (also known as c.2273A>G), located in coding exon 14 of the CDH1 gene, results from an A to G substitution at nucleotide position 2273. The glutamic acid at codon 758 is replaced by glycine, an amino acid with similar properties. This variant was reported in multiple individuals who met clinical criteria for CDH1-related hereditary diffuse gastric cancer syndrome (external communications). Based on internal structural analysis this variant is predicted to disrupt a motif that is responsible for protein interactions (Ambry internal data). This amino acid position is highly conserved in available vertebrate species. In addition, the in silico prediction for this alteration is inconclusive. Based on the majority of available evidence to date, this variant is likely to be pathogenic.

GeneDx
Classification: Uncertain significance. Last evaluated: 2019-05-16. Review status: criteria provided, single submitter. Criteria: GeneDx Variant Classification Process June 2021. Collection method: clinical testing. Allele origin: germline. Affected: yes.
Comment: Not observed in large population cohorts (Lek et al., 2016); In silico analysis, which includes protein predictors and evolutionary conservation, supports a deleterious effect; Has not been previously published as pathogenic or benign to our knowledge

NM_004360.5(CDH1):c.2273A>G (p.Glu758Gly)

Gene: CDH1 (cadherin 1; plus strand). Cytogenetic location: 16q22.1.
Variant type: single nucleotide variant.
Coding change: c.2273A>G on transcript NM_004360.5 (MANE Select); coding-DNA position 2273, A replaced by G.
Protein change: p.Glu758Gly; replaces glutamic acid 758 with glycine.
Molecular consequence: missense variant.
Genome position (GRCh38, 1-based): chr16:68,828,282, A>G. VCF-style: chr16-68828282-A-G. GRCh37 (hg19) VCF-style: chr16-68862185-A-G.
Other names: c.2090A>G, p.Glu697Gly (NM_001317184.2); c.725A>G, p.Glu242Gly (NM_001317185.2); c.308A>G, p.Glu103Gly (NM_001317186.2); short protein forms E103G, E242G, E697G, E758G.
Identifiers: ClinVar variation 1205648 (VCV001205648.7), dbSNP rs2152141559, ClinGen allele CA396470017.